The following is an entry in ClinVar:

NM_000088.4(COL1A1):c.3759del (p.Asn1254fs)

Gene: COL1A1 (collagen type I alpha 1 chain; minus strand). Cytogenetic location: 17q21.33.
Variant type: Deletion.
Coding change: c.3759del on transcript NM_000088.4 (MANE Select); coding-DNA position 3759, one base deleted (G; older notation c.3759delG).
Protein change: p.Asn1254fs; shifts the reading frame from asparagine 1254.
Molecular consequence: frameshift variant.
Genome position (GRCh38, 1-based): chr17:50,186,695, C deleted on the plus strand (G on the coding strand, the reverse complement: COL1A1 is on the minus strand). VCF-style (leftmost placement, unchanged base first): chr17-50186694-TC-T. GRCh37 (hg19) VCF-style: chr17-48264055-TC-T.
Other names: short protein forms N1254fs.
Identifiers: ClinVar variation 4750168 (VCV004750168.1).

ClinVar aggregate classification (germline): Pathogenic (1 of 4 stars; one submission).

Conditions:
Osteogenesis imperfecta type I (OI1). Also called: Lobstein's Disease; Lobstein disease; Classic Non-deforming Osteogenesis Imperfecta with Blue Sclerae; OI, TYPE I; OSTEOGENESIS IMPERFECTA TARDA; OSTEOGENESIS IMPERFECTA WITH BLUE SCLERAE. Identifiers: Orphanet 216796, Orphanet 666, MedGen C0023931, MONDO:0008146, OMIM 166200. Disease mechanism: loss of function.

Submission:

Labcorp Genetics (formerly Invitae), Labcorp
Classification: Pathogenic for Osteogenesis imperfecta type I. Last evaluated: 2025-11-27. Review status: criteria provided, single submitter. Criteria: Invitae Variant Classification Sherloc (09022015). Collection method: clinical testing. Allele origin: germline.
Comment: This sequence change creates a premature translational stop signal (p.Asn1254Thrfs*77) in the COL1A1 gene. It is expected to result in an absent or disrupted protein product. Loss-of-function variants in COL1A1 are known to be pathogenic (PMID: 7942841, 9295084, 9443882). This variant is not present in population databases (gnomAD no frequency). This premature translational stop signal has been observed in individual(s) with osteogenesis imperfecta (PMID: 31447884). For these reasons, this variant has been classified as Pathogenic.

Literature cited by the submitters: PubMed 7942841; PubMed 9295084; PubMed 9443882; PubMed 31447884.